The following is an entry in ClinVar:

ClinVar aggregate classification (germline): Uncertain significance (1 of 4 stars; one submission).

Submission:

GeneDx
Classification: Uncertain significance. Last evaluated: 2024-12-31. Review status: criteria provided, single submitter. Criteria: GeneDx Variant Classification Process June 2021. Collection method: clinical testing. Allele origin: germline. Affected: yes.
Comment: Not observed at significant frequency in large population cohorts (gnomAD); In silico analysis supports a deleterious effect on protein structure/function; Has not been previously published as pathogenic or benign to our knowledge

NM_001170629.2(CHD8):c.3476_3477delinsGA (p.Val1159Gly)

Gene: CHD8 (chromodomain helicase DNA binding protein 8; minus strand). Cytogenetic location: 14q11.2.
Variant type: Indel.
Coding change: c.3476_3477delinsGA on transcript NM_001170629.2 (MANE Select); coding-DNA positions 3476 to 3477, TG replaced by GA.
Protein change: p.Val1159Gly; replaces valine 1159 with glycine.
Molecular consequence: missense variant.
Genome position (GRCh38, 1-based): chr14:21,403,494-21,403,495, CA replaced by TC on the plus strand (TG replaced by GA on the coding strand, the reverse complement: CHD8 is on the minus strand). VCF-style: chr14-21403494-CA-TC. GRCh37 (hg19) VCF-style: chr14-21871653-CA-TC.
Other names: c.2639_2640delinsGA, p.Val880Gly (NM_020920.4); short protein forms V1159G, V880G.
Identifiers: ClinVar variation 3907732 (VCV003907732.1).